The following is an entry in ClinVar:

ClinVar aggregate classification (germline): Uncertain significance (1 of 4 stars; one submission).

Conditions:
Hereditary cancer-predisposing syndrome. Also called: Neoplastic Syndromes, Hereditary; Tumor predisposition; Hereditary neoplastic syndrome; Hereditary Cancer Syndrome. Identifiers: Orphanet 140162, MedGen C0027672, MeSH D009386, MONDO:0015356.

Submission:

Ambry Genetics
Classification: Uncertain significance for Hereditary cancer-predisposing syndrome. Last evaluated: 2026-07-16. Review status: criteria provided, single submitter. Criteria: Ambry Variant Classification Scheme 2023. Collection method: clinical testing. Allele origin: germline.
Comment: The p.F1606I variant (also known as c.4816T>A), located in coding exon 36 of the TSC2 gene, results from a T to A substitution at nucleotide position 4816. The phenylalanine at codon 1606 is replaced by isoleucine, an amino acid with highly similar properties. This amino acid position is conserved. In addition, this alteration is predicted to be deleterious by in silico analysis. Based on the available evidence, the clinical significance of this variant remains unclear.

NM_000548.5(TSC2):c.4816T>A (p.Phe1606Ile)

Gene: TSC2 (TSC complex subunit 2; plus strand). Cytogenetic location: 16p13.3.
Variant type: single nucleotide variant.
Coding change: c.4816T>A on transcript NM_000548.5 (MANE Select); coding-DNA position 4816, T replaced by A.
Protein change: p.Phe1606Ile; replaces phenylalanine 1606 with isoleucine.
Molecular consequence: missense variant. On other transcripts: non-coding transcript variant (5).
Genome position (GRCh38, 1-based): chr16:2,086,346, T>A. VCF-style: chr16-2086346-T-A. GRCh37 (hg19) VCF-style: chr16-2136347-T-A.
Other names: c.4147T>A, p.Phe1383Ile (NM_001406682.1, NM_001406683.1); c.4144T>A, p.Phe1382Ile (NM_001406684.1); c.4018T>A, p.Phe1340Ile (NM_001406685.1, NM_001406686.1); c.4015T>A, p.Phe1339Ile (NM_001406687.1, NM_001406688.1); c.3403T>A, p.Phe1135Ile (NM_001406689.1); c.3343T>A, p.Phe1115Ile (NM_001406690.1); c.4687T>A, p.Phe1563Ile (NM_001370405.1, NM_021055.3); c.4813T>A, p.Phe1605Ile (NM_001406663.1); and 26 more; short protein forms F1115I, F1339I, F1362I, F1502I, F1535I, F1550I, F1091I, F1092I.
Identifiers: ClinVar variation 5031363 (VCV005031363.1).